The following is an entry in ClinVar:

ClinVar aggregate classification (germline): Benign/Likely benign. Review status: criteria provided, multiple submitters, no conflicts (2 of 4 stars). 8 submissions from 7 submitters: Benign (6); Likely benign (1). 1 of the submissions does not count toward it. Last evaluated 2026-02-04.

Conditions:
Charcot-Marie-Tooth disease. Also called: Charcot-Marie-Tooth Hereditary Neuropathy; Charcot-Marie-Tooth Neuropathy. Identifiers: Orphanet 166, MedGen C0007959, MONDO:0015626.
Charcot-Marie-Tooth disease type 4. Also called: Charcot-Marie-Tooth, Type 4; Charcot-Marie-Tooth disease, type IV. Identifiers: Orphanet 64749, MedGen C4082197, MONDO:0018995.
Susceptibility to mononeuropathy of the median nerve, mild. Also called: CARPAL TUNNEL SYNDROME, SUSCEPTIBILITY TO. Identifiers: MedGen C3150596, MONDO:0013237, OMIM 613353.
Charcot-Marie-Tooth disease type 4C (CMT4C). Also called: SH3TC2-Related Hereditary Motor and Sensory Neuropathy; Charcot-Marie-Tooth Neuropathy Type 4C (CMT4C); CHARCOT-MARIE-TOOTH DISEASE, DEMYELINATING, TYPE 4C; CHARCOT-MARIE-TOOTH DISEASE, DEMYELINATING, AUTOSOMAL RECESSIVE, TYPE 4C; CMT 4C. Identifiers: Orphanet 99949, MedGen C1866636, MONDO:0011113, OMIM 601596.

Allele frequency attached by ClinVar (database versions not stated): ESP Exome Variant Server 0.01199; gnomAD exomes 0.02537 and 0.06119; gnomAD 0.02854 and 0.03157; TOPMed 0.04291; ExAC 0.05221; 1000 Genomes Project 0.07188; 1000 Genomes Project 30x 0.07230.
gnomAD v4.1: 42,139 of 1,614,060 alleles (2.6%); highest among the groups gnomAD compares: Admixed American, 24%; 2,587 homozygotes.

Submissions (8):

Labcorp Genetics (formerly Invitae), Labcorp
Classification: Benign for Charcot-Marie-Tooth disease type 4. Last evaluated: 2026-02-04. Review status: criteria provided, single submitter. Criteria: Invitae Variant Classification Sherloc (09022015). Collection method: clinical testing. Allele origin: germline.

Blueprint Genetics
Classification: Likely benign. Last evaluated: 2024-11-26. Review status: criteria provided, single submitter. Criteria: ACMG Guidelines, 2015. Collection method: clinical testing. Allele origin: germline.

Illumina Laboratory Services, Illumina
Classification: Benign for Charcot-Marie-Tooth disease type 4C. Last evaluated: 2018-01-13. Review status: criteria provided, single submitter. Criteria: ICSL Variant Classification Criteria 13 December 2019. Collection method: clinical testing. Allele origin: germline.
Comment: This variant was observed in the ICSL laboratory as part of a predisposition screen in an ostensibly healthy population. It had not been previously curated by ICSL or reported in the Human Gene Mutation Database (HGMD: prior to June 1st, 2018), and was therefore a candidate for classification through an automated scoring system. Utilizing variant allele frequency, disease prevalence and penetrance estimates, and inheritance mode, an automated score was calculated to assess if this variant is too frequent to cause the disease. Based on the score and internal cut-off values, a variant classified as benign is not then subjected to further curation. The score for this variant resulted in a classification of benign for this disease.

Illumina Laboratory Services, Illumina
Classification: Benign for Susceptibility to mononeuropathy of the median nerve, mild. Last evaluated: 2018-01-13. Review status: criteria provided, single submitter. Criteria: ICSL Variant Classification Criteria 13 December 2019. Collection method: clinical testing. Allele origin: germline.
Comment: the same text as in the submission from Illumina Laboratory Services, Illumina above.

Mayo Clinic Laboratories, Mayo Clinic
Classification: Benign. Last evaluated: 2016-06-08. Review status: criteria provided, single submitter. Criteria: ACMG Guidelines, 2015. Collection method: clinical testing. Allele origin: germline. Observed: 87 variant alleles.

GeneDx
Classification: Benign. Last evaluated: 2014-02-20. Review status: criteria provided, single submitter. Criteria: GeneDx Variant Classification (06012015). Collection method: clinical testing. Allele origin: germline. Affected: yes.
Comment: This variant is considered likely benign or benign based on one or more of the following criteria: it is a conservative change, it occurs at a poorly conserved position in the protein, it is predicted to be benign by multiple in silico algorithms, and/or has population frequency not consistent with disease.

Molecular Genetics Laboratory, London Health Sciences Centre
Classification: Benign for Charcot-Marie-Tooth disease. Review status: criteria provided, single submitter. Criteria: ACMG Guidelines, 2015. Collection method: clinical testing. Allele origin: germline. Affected: yes.

Genetic Services Laboratory, University of Chicago
Classification: Likely benign for AllHighlyPenetrant. Review status: no assertion criteria provided. Collection method: clinical testing. Allele origin: germline. Not counted in ClinVar's aggregate classification.
Comment: Likely benign based on allele frequency in 1000 Genomes Project or ESP global frequency and its presence in a patient with a rare or unrelated disease phenotype. NOT Sanger confirmed.

NM_024577.4(SH3TC2):c.512G>A (p.Gly171Glu)

Gene: SH3TC2 (SH3 domain and tetratricopeptide repeats 2; minus strand). Cytogenetic location: 5q32.
Variant type: single nucleotide variant.
Coding change: c.512G>A on transcript NM_024577.4 (MANE Select); coding-DNA position 512, G replaced by A.
Protein change: p.Gly171Glu; replaces glycine 171 with glutamic acid.
Molecular consequence: missense variant.
Genome position (GRCh38, 1-based): chr5:149,042,711, C>T on the plus strand (G>A on the coding strand, the complement: SH3TC2 is on the minus strand). VCF-style: chr5-149042711-C-T. GRCh37 (hg19) VCF-style: chr5-148422274-C-T.
Other names: p.G171E:GGA>GAA; short protein forms G171E.
Identifiers: ClinVar variation 130300 (VCV000130300.22), dbSNP rs17722293, ClinGen allele CA155195.